The following is an entry in ClinVar:

GRCh38/hg38 15q11.2-13.1(chr15:23319714-28275167)x1

Genes: ATP10A (ATPase phospholipid transporting 10A (putative); minus strand), ATP10A-DT (ATP10A divergent transcript; plus strand), GABRA5 (gamma-aminobutyric acid type A receptor subunit alpha5; plus strand), GABRB3 (gamma-aminobutyric acid type A receptor subunit beta3; minus strand), GABRG3 (gamma-aminobutyric acid type A receptor subunit gamma3; plus strand) and 140 more. Cytogenetic location: 15q11.2-13.1.
Variant type: copy number loss.
Change: copy number 1 (one copy instead of two) of chr15:23,319,714-28,275,167 (4.96 Mb, GRCh38 coordinates, 1-based), cytogenetic band 15q11.2-13.1.
Identifiers: ClinVar variation 58584 (VCV000058584.1).

ClinVar aggregate classification (germline): Pathogenic (1 of 4 stars; one submission).

Submission:

ISCA site 17
Classification: Pathogenic. Last evaluated: 2011-08-12. Review status: criteria provided, single submitter. Criteria: Kaminsky et al. (Genet Med. 2011). Collection method: clinical testing. Allele origin: unknown. Affected: yes. Observed: 1 variant allele.
Comment: Copy number variation identified through the course of routine clinical cytogenomic testing in postnatal populations. Clinical assertions have been curated as described in Kaminsky et al. 2011.